The following is an entry in ClinVar:

ClinVar aggregate classification (germline): Uncertain significance. Review status: criteria provided, multiple submitters, no conflicts (2 of 4 stars). 2 submissions from 2 submitters: Uncertain significance (2). Last evaluated 2023-10-20.

Conditions:
Hereditary cancer-predisposing syndrome. Also called: Hereditary neoplastic syndrome; Hereditary Cancer Syndrome; Neoplastic Syndromes, Hereditary; Tumor predisposition. Identifiers: Orphanet 140162, MedGen C0027672, MeSH D009386, MONDO:0015356.
DICER1-related tumor predisposition. Also called: DICER1-related pleuropulmonary blastoma cancer predisposition syndrome; DICER1 syndrome. Identifiers: Orphanet 284343, MedGen C3839822, MONDO:0100216.

Allele frequency attached by ClinVar (database versions not stated): gnomAD exomes below 0.00001.
gnomAD v4.1: 2 of 1,614,076 alleles (0.00012%); highest among the groups gnomAD compares: Non-Finnish European, 0.00017%; no homozygotes.

Submissions (2):

Labcorp Genetics (formerly Invitae), Labcorp
Classification: Uncertain significance for DICER1-related tumor predisposition. Last evaluated: 2023-10-20. Review status: criteria provided, single submitter. Criteria: Invitae Variant Classification Sherloc (09022015). Collection method: clinical testing. Allele origin: germline.
Comment: This sequence change replaces glycine, which is neutral and non-polar, with cysteine, which is neutral and slightly polar, at codon 1162 of the DICER1 protein (p.Gly1162Cys). This variant is not present in population databases (gnomAD no frequency). This variant has not been reported in the literature in individuals affected with DICER1-related conditions. Advanced modeling of protein sequence and biophysical properties (such as structural, functional, and spatial information, amino acid conservation, physicochemical variation, residue mobility, and thermodynamic stability) performed at Invitae indicates that this missense variant is not expected to disrupt DICER1 protein function. In summary, the available evidence is currently insufficient to determine the role of this variant in disease. Therefore, it has been classified as a Variant of Uncertain Significance.

Ambry Genetics
Classification: Uncertain significance for Hereditary cancer-predisposing syndrome. Last evaluated: 2023-09-26. Review status: criteria provided, single submitter. Criteria: Ambry Variant Classification Scheme 2023. Collection method: clinical testing. Allele origin: germline.
Comment: The p.G1162C variant (also known as c.3484G>T), located in coding exon 20 of the DICER1 gene, results from a G to T substitution at nucleotide position 3484. The glycine at codon 1162 is replaced by cysteine, an amino acid with highly dissimilar properties. This amino acid position is poorly conserved in available vertebrate species. In addition, this alteration is predicted to be tolerated by in silico analysis. Since supporting evidence is limited at this time, the clinical significance of this alteration remains unclear.

NM_177438.3(DICER1):c.3484G>T (p.Gly1162Cys)

Gene: DICER1 (dicer 1, ribonuclease III; minus strand). Cytogenetic location: 14q32.13.
Variant type: single nucleotide variant.
Coding change: c.3484G>T on transcript NM_177438.3 (MANE Select); coding-DNA position 3484, G replaced by T.
Protein change: p.Gly1162Cys; replaces glycine 1162 with cysteine.
Molecular consequence: missense variant. On other transcripts: non-coding transcript variant (6).
Genome position (GRCh38, 1-based): chr14:95,103,912, C>A on the plus strand (G>T on the coding strand, the complement: DICER1 is on the minus strand). VCF-style: chr14-95103912-C-A. GRCh37 (hg19) VCF-style: chr14-95570249-C-A.
Other names: c.3484G>T, p.Gly1162Cys (NM_001195573.1, NM_001271282.3, NM_001291628.2 and 13 more transcripts); c.3202G>T, p.Gly1068Cys (NM_001395686.1); c.3079G>T, p.Gly1027Cys (NM_001395687.1, NM_001395688.1, NM_001395689.1 and 2 more transcripts); c.2917G>T, p.Gly973Cys (NM_001395691.1); c.1801G>T, p.Gly601Cys (NM_001395697.1); short protein forms G1027C, G1068C, G973C, G1162C, G601C.
Identifiers: ClinVar variation 2770218 (VCV002770218.4), dbSNP rs1287752405, ClinGen allele CA390875235.